The following is an entry in ClinVar:

NM_000059.4(BRCA2):c.4740dup (p.Glu1581Ter)

Gene: BRCA2 (BRCA2 DNA repair associated; plus strand). Cytogenetic location: 13q13.1.
Variant type: Duplication.
Coding change: c.4740dup on transcript NM_000059.4 (MANE Select); coding-DNA position 4740, one base duplicated (T; older notation c.4740dupT).
Protein change: p.Glu1581Ter; replaces glutamic acid 1581 with a stop codon.
Molecular consequence: nonsense. On other transcripts: non-coding transcript variant (1), intron variant (2).
Genome position (GRCh38, 1-based): chr13:32,339,095, T duplicated. VCF-style (leftmost placement, unchanged base first): chr13-32339094-G-GT. GRCh37 (hg19) VCF-style: chr13-32913231-G-GT.
Other names: c.4740dup, p.Glu1581Ter (NM_001406719.1, NM_001406720.1); c.1910-5463dup (NM_001406721.1); c.425-5463dup (NM_001406722.1); short protein forms E1581*.
Identifiers: ClinVar variation 3148650 (VCV003148650.1), dbSNP rs2548529261, ClinGen allele CA2825002148.
Genomic context (GRCh38, chr13:32,339,094, plus strand): 5'-GCCATCAATGGGCAAAGACCCTAAAGTACAGAGAGGCCTGTAAAGACCTTGAATTAGCAT[G>GT]TGAGACCATTGAGATCACAGCTGCCCCAAAGTGTAAAGAAATGCAGAATTCTCTCAATAA-3'

ClinVar aggregate classification (germline): Pathogenic (1 of 4 stars; one submission).

Conditions:
Breast-ovarian cancer, familial, susceptibility to, 2 (BROVCA2). Also called: BRCA2 Hereditary Breast and Ovarian Cancer. Identifiers: Orphanet 145, MedGen C2675520, MONDO:0012933, OMIM 612555. Disease mechanism: loss of function.

Submission:

Myriad Genetics, Inc.
Classification: Pathogenic for Breast-ovarian cancer, familial, susceptibility to, 2. Last evaluated: 2023-12-14. Review status: criteria provided, single submitter. Criteria: Myriad Autosomal Dominant, Autosomal Recessive and X-Linked Classification Criteria (2023). Collection method: clinical testing. Allele origin: unknown.
Comment: This variant is considered pathogenic. This variant creates a termination codon and is predicted to result in premature protein truncation.